The following is an entry in ClinVar:

ClinVar aggregate classification (germline): Benign (0 of 4 stars; one submission).

Conditions:
MUC16-related disorder. Also called: MUC16-related condition.

Allele frequency attached by ClinVar (database versions not stated): gnomAD exomes 0.00035; ExAC 0.00094; 1000 Genomes Project 0.00280; ESP Exome Variant Server 0.00314; gnomAD 0.00321; 1000 Genomes Project 30x 0.00359; TOPMed 0.00375.

Submission:

PreventionGenetics, part of Exact Sciences
Classification: Benign for MUC16-related condition. Last evaluated: 2019-02-18. Review status: no assertion criteria provided. Collection method: clinical testing. Allele origin: germline.
Comment: This variant is classified as benign based on ACMG/AMP sequence variant interpretation guidelines (Richards et al. 2015 PMID: 25741868, with internal and published modifications).

NM_001401501.2(MUC16):c.31942C>T (p.Pro10648Ser)

Gene: MUC16 (mucin 16, cell surface associated; minus strand). Cytogenetic location: 19p13.2.
Variant type: single nucleotide variant.
Coding change: c.31942C>T on transcript NM_001401501.2 (MANE Select); coding-DNA position 31942, C replaced by T.
Protein change: p.Pro10648Ser; replaces proline 10648 with serine.
Molecular consequence: missense variant.
Genome position (GRCh38, 1-based): chr19:8,939,133, G>A on the plus strand (C>T on the coding strand, the complement: MUC16 is on the minus strand). VCF-style: chr19-8939133-G-A. GRCh37 (hg19) VCF-style: chr19-9049809-G-A.
Other names: c.32368C>T, p.Pro10790Ser (NM_001414686.1); c.31822C>T, p.Pro10608Ser (NM_001414687.1, NM_024690.2); short protein forms P10608S, P10648S, P10790S.
Identifiers: ClinVar variation 3042856 (VCV003042856.2), dbSNP rs200675546, ClinGen allele CA9166776.